The following is an entry in ClinVar:

ClinVar aggregate classification (germline): Uncertain significance. Review status: criteria provided, multiple submitters, no conflicts (2 of 4 stars). 3 submissions from 3 submitters: Uncertain significance (3). Last evaluated 2025-05-05.

Conditions:
Inborn genetic diseases. Identifiers: MedGen C0950123, MeSH D030342.

gnomAD v4.1: 3 of 1,613,712 alleles (0.00019%); highest among the groups gnomAD compares: African/African-American, 0.004%; no homozygotes.

Submissions (3):

Ambry Genetics
Classification: Uncertain significance for Inborn genetic diseases. Last evaluated: 2025-05-05. Review status: criteria provided, single submitter. Criteria: Ambry Variant Classification Scheme 2023. Collection method: clinical testing. Allele origin: germline.
Comment: The p.I1389V variant (also known as c.4165A>G), located in coding exon 1 of the SAMD9 gene, results from an A to G substitution at nucleotide position 4165. The isoleucine at codon 1389 is replaced by valine, an amino acid with highly similar properties. This amino acid position is conserved. In addition, this alteration is predicted to be tolerated by in silico analysis. Based on the available evidence, the clinical significance of this variant remains unclear.

Labcorp Genetics (formerly Invitae), Labcorp
Classification: Uncertain significance. Last evaluated: 2025-02-17. Review status: criteria provided, single submitter. Criteria: Invitae Variant Classification Sherloc (09022015). Collection method: clinical testing. Allele origin: germline.
Comment: This sequence change replaces isoleucine, which is neutral and non-polar, with valine, which is neutral and non-polar, at codon 1389 of the SAMD9 protein (p.Ile1389Val). This variant is present in population databases (no rsID available, gnomAD 0.01%). This variant has not been reported in the literature in individuals affected with SAMD9-related conditions. Invitae Evidence Modeling of protein sequence and biophysical properties (such as structural, functional, and spatial information, amino acid conservation, physicochemical variation, residue mobility, and thermodynamic stability) has been performed for this missense variant. However, the output from this modeling did not meet the statistical confidence thresholds required to predict the impact of this variant on SAMD9 protein function. In summary, the available evidence is currently insufficient to determine the role of this variant in disease. Therefore, it has been classified as a Variant of Uncertain Significance.

GeneDx
Classification: Uncertain significance. Last evaluated: 2024-07-30. Review status: criteria provided, single submitter. Criteria: GeneDx Variant Classification Process June 2021. Collection method: clinical testing. Allele origin: germline. Affected: yes.
Comment: Not observed at significant frequency in large population cohorts (gnomAD); In silico analysis indicates that this missense variant does not alter protein structure/function; Has not been previously published as pathogenic or benign to our knowledge

NM_017654.4(SAMD9):c.4165A>G (p.Ile1389Val)

Gene: SAMD9 (sterile alpha motif domain containing 9; minus strand). Cytogenetic location: 7q21.2.
Variant type: single nucleotide variant.
Coding change: c.4165A>G on transcript NM_017654.4 (MANE Select); coding-DNA position 4165, A replaced by G.
Protein change: p.Ile1389Val; replaces isoleucine 1389 with valine.
Molecular consequence: missense variant.
Genome position (GRCh38, 1-based): chr7:93,101,933, T>C on the plus strand (A>G on the coding strand, the complement: SAMD9 is on the minus strand). VCF-style: chr7-93101933-T-C. GRCh37 (hg19) VCF-style: chr7-92731246-T-C.
Other names: c.4165A>G, p.Ile1389Val (NM_001193307.2); short protein forms I1389V.
Identifiers: ClinVar variation 3602457 (VCV003602457.4).